The following is an entry in ClinVar:

NM_000260.4(MYO7A):c.487G>A (p.Gly163Arg)

Gene: MYO7A (myosin VIIA; plus strand). Cytogenetic location: 11q13.5.
Variant type: single nucleotide variant.
Coding change: c.487G>A on transcript NM_000260.4 (MANE Select); coding-DNA position 487, G replaced by A.
Protein change: p.Gly163Arg; replaces glycine 163 with arginine.
Molecular consequence: missense variant.
Genome position (GRCh38, 1-based): chr11:77,156,676, G>A. VCF-style: chr11-77156676-G-A. GRCh37 (hg19) VCF-style: chr11-76867722-G-A.
Other names: NP_000251.3:p.(Gly163Arg); c.487G>A, p.Gly163Arg (NM_001127180.2); c.454G>A, p.Gly152Arg (NM_001369365.1); short protein forms G163R, G152R.
Identifiers: ClinVar variation 553070 (VCV000553070.33), dbSNP rs1472566324, ClinGen allele CA381931767.

ClinVar aggregate classification (germline): Pathogenic/Likely pathogenic. Review status: criteria provided, multiple submitters, no conflicts (2 of 4 stars). 10 submissions from 10 submitters: Pathogenic (7); Likely pathogenic (1). 2 of the submissions do not count toward it. Last evaluated 2026-04-02.

Conditions:
Usher syndrome type 1 (USH1). Also called: RETINITIS PIGMENTOSA AND CONGENITAL DEAFNESS. Identifiers: Orphanet 231169, Orphanet 886, MedGen C1568247, MONDO:0010168, OMIM 276900.
Autosomal recessive nonsyndromic hearing loss 2. Also called: NEUROSENSORY NONSYNDROMIC RECESSIVE DEAFNESS 2; DEAFNESS, AUTOSOMAL RECESSIVE 2. Identifiers: Orphanet 90636, MedGen C1838701, MONDO:0010807, OMIM 600060.
Autosomal dominant nonsyndromic hearing loss 11. Identifiers: Orphanet 90635, MedGen C1832475, MONDO:0011032, OMIM 601317.
Usher syndrome type 1B (USH1B). Also called: Usher syndrome type IB. Identifiers: MedGen C1848638, MONDO:0700087.
Usher syndrome. Also called: Usher's syndrome; Usher Syndromes. Identifiers: Orphanet 886, MedGen CN469326, MeSH D052245, MONDO:0019501. Disease mechanism: loss of function.
Retinal dystrophy. Also called: Inherited retinal dystrophy. Identifiers: Orphanet 71862, MedGen C0854723, MeSH D058499, MONDO:0019118, HP:0000556.

Allele frequency attached by ClinVar (database versions not stated): gnomAD exomes below 0.00001; gnomAD 0.00001; TOPMed 0.00001.
gnomAD v4.1: 6 of 1,613,778 alleles (0.00037%); highest among the groups gnomAD compares: South Asian, 0.0022%; no homozygotes.

Submissions (10):

GeneDx
Classification: Pathogenic. Last evaluated: 2026-04-02. Review status: criteria provided, single submitter. Criteria: GeneDx Variant Classification Process June 2021. Collection method: clinical testing. Allele origin: germline.
Comment: In silico analysis supports that this missense variant has a deleterious effect on protein structure/function; This variant is associated with the following publications: (PMID: 32864763, 36597107, 34948090, 34148116, 27583663, 31479088, 26561413, 16679490, 26969326, 21436283, 33089500, 21873662, 31964843, 37165311, 35551639)

Labcorp Genetics (formerly Invitae), Labcorp
Classification: Pathogenic. Last evaluated: 2025-12-31. Review status: criteria provided, single submitter. Criteria: Invitae Variant Classification Sherloc (09022015). Collection method: clinical testing. Allele origin: germline.
Comment: This sequence change replaces glycine, which is neutral and non-polar, with arginine, which is basic and polar, at codon 163 of the MYO7A protein (p.Gly163Arg). This variant is present in population databases (no rsID available, gnomAD 0.004%). This missense change has been observed in individual(s) with autosomal recessive Usher syndrome and autosomal recessive deafness (PMID: 16679490, 21873662, 26561413, 27583663, 31479088). In at least one individual the data is consistent with being in trans (on the opposite chromosome) from a pathogenic variant. It has also been observed to segregate with disease in related individuals. ClinVar contains an entry for this variant (Variation ID: 553070). Invitae Evidence Modeling of protein sequence and biophysical properties (such as structural, functional, and spatial information, amino acid conservation, physicochemical variation, residue mobility, and thermodynamic stability) indicates that this missense variant is expected to disrupt MYO7A protein function with a positive predictive value of 95%. For these reasons, this variant has been classified as Pathogenic.

Natera, Inc.
Classification: Pathogenic for Usher syndrome type 1B. Last evaluated: 2025-06-10. Review status: criteria provided, single submitter. Criteria: Natera Variant Classification Schema (03/2026). Collection method: clinical testing. Allele origin: germline.
Comment: The c.487G>A variant in MYO7A is a missense variant predicted to cause substitution of glycine to arginine at amino acid 163. This variant is rare in the general population with a frequency below the threshold expected for the associated phenotype(s). This variant has been observed in one or more individuals affected with the associated recessive disease, as either homozygous or compound heterozygous with a second variant (PMID: 30054919, 34948090, 27583663). Given the available evidence, this variant is classified as Pathogenic.

Ophthalmic Genetics Group, Institute of Molecular and Clinical Ophthalmology Basel
Classification: Pathogenic for Retinal dystrophy. Last evaluated: 2024-05-27. Review status: criteria provided, single submitter. Criteria: ACMG Guidelines, 2015. Collection method: research. Allele origin: germline. Affected: yes. Observed: 11 variant alleles.
Comment: This variant was classified as Pathogenic based on ACMG criteria: PM1_mod, PM2_mod, PM3_strong, PP1_sup and PP3_mod

3billion
Classification: Pathogenic for Usher syndrome type 1. Last evaluated: 2024-01-15. Review status: criteria provided, single submitter. Criteria: ACMG Guidelines, 2015. Collection method: clinical testing. Allele origin: germline. Affected: yes.
Comment: The variant is observed at an extremely low frequency in the gnomAD v2.1.1 dataset (total allele frequency: <0.001%). Predicted Consequence/Location: The majority of the known disease-causing variants of this gene are variants expected to result in premature termination of the protein. In silico tool predictions suggest damaging effect of the variant on gene or gene product [REVEL: 0.97 (>=0.6, sensitivity 0.68 and specificity 0.92); 3Cnet: 0.97 (>=0.6, sensitivity 0.72 and precision 0.9)]. Same nucleotide change resulting in same amino acid change has been previously reported as pathogenic/likely pathogenic with strong evidence (ClinVar ID: VCV000553070 /PMID: 16679490). The variant has been reported to be in trans with a pathogenic variant as either compound heterozygous or homozygous in at least 2 similarly affected unrelated individuals (PMID: 16679490, 21873662, 26561413, 27583663). Therefore, this variant is classified as Pathogenic according to the recommendation of ACMG/AMP guideline.

Women's Health and Genetics/Laboratory Corporation of America, LabCorp
Classification: Pathogenic for Usher syndrome. Last evaluated: 2023-05-12. Review status: criteria provided, single submitter. Criteria: LabCorp Variant Classification Summary - May 2015. Collection method: clinical testing. Allele origin: germline.
Comment: Variant summary: MYO7A c.487G>A (p.Gly163Arg) results in a non-conservative amino acid change located in the Myosin head, motor domain (IPR001609) of the encoded protein sequence. Five of five in-silico tools predict a damaging effect of the variant on protein function. The variant allele was found at a frequency of 4e-06 in 249206 control chromosomes (gnomAD). The available data on variant occurrences in the general population are insufficient to allow any conclusion about variant significance. c.487G>A has been reported in the literature in multiple homozygous and compound heterozygous individuals affected with Usher Syndrome (e.g., Roux_2006, Atik_2015, Bouzidi_2022). These data indicate that the variant is very likely to be associated with disease. The following publications have been ascertained in the context of this evaluation (PMID: 26561413, 35551639, 21436283). Five ClinVar submitters (evaluation after 2014) have cited the variant, and all laboratories classified the variant as pathogenic (n = 3) or likely pathogenic (n = 2). Based on the evidence outlined above, the variant was classified as pathogenic.

Institute of Human Genetics, Univ. Regensburg, Univ. Regensburg
Classification: Likely pathogenic for Retinal dystrophy. Last evaluated: 2021-01-01. Review status: criteria provided, single submitter. Criteria: ACMG Guidelines, 2015. Collection method: clinical testing. Allele origin: germline. Affected: yes.

Juno Genomics, Hangzhou Juno Genomics, Inc
Classification: Pathogenic for Usher syndrome type 1; Autosomal dominant nonsyndromic hearing loss 11; Autosomal recessive nonsyndromic hearing loss 2. Review status: criteria provided, single submitter. Criteria: ACMG Guidelines, 2015. Collection method: clinical testing. Allele origin: germline.
Comment: Absent from controls (or at extremely low frequency if recessive) in Genome Aggregation Database.;Multiple lines of computational evidence support a deleterious effect on the gene or gene product.;For recessive disorders, detected in trans with a pathogenic variant.;Patient's phenotype or family history is highly specific for a disease with a single genetic etiology.;Co-segregation with disease in multiple affected family members.

Department of Biotechnology and Genetic Engineering, Kohat University of Science and Technology
Classification: Pathogenic for Usher syndrome type 1. Last evaluated: 2022-08-22. Review status: no assertion criteria provided. Collection method: research. Allele origin: inherited. Inheritance: Autosomal recessive inheritance. Affected: yes. Observed: 12 variant alleles, 6 heterozygotes, 6 homozygotes. Not counted in ClinVar's aggregate classification.

Counsyl
Classification: Likely pathogenic for Usher syndrome type 1; Autosomal recessive nonsyndromic hearing loss 2. Last evaluated: 2017-08-01. Review status: no assertion criteria provided. Collection method: clinical testing. Allele origin: unknown. Not counted in ClinVar's aggregate classification.

Literature cited by the submitters: PubMed 16679490 (cited by 4 submitters); PubMed 21873662 (cited by Labcorp Genetics (formerly Invitae), Labcorp and 3billion); PubMed 26561413 (cited by 3 submitters); PubMed 27583663 (cited by 4 submitters); PubMed 31479088 (cited by Labcorp Genetics (formerly Invitae), Labcorp and Institute of Human Genetics, Univ. Regensburg, Univ. Regensburg); PubMed 30054919 (cited by Natera, Inc.); PubMed 34948090 (cited by Natera, Inc. and Institute of Human Genetics, Univ. Regensburg, Univ. Regensburg); PubMed 40180963 (cited by Ophthalmic Genetics Group, Institute of Molecular and Clinical Ophthalmology Basel); PubMed 21436283 (cited by Women's Health and Genetics/Laboratory Corporation of America, LabCorp and Counsyl); PubMed 35551639 (cited by Women's Health and Genetics/Laboratory Corporation of America, LabCorp); PubMed 26969326 (cited by Institute of Human Genetics, Univ. Regensburg, Univ. Regensburg and Counsyl); PubMed 32864763 (cited by Institute of Human Genetics, Univ. Regensburg, Univ. Regensburg); PubMed 31964843 (cited by Institute of Human Genetics, Univ. Regensburg, Univ. Regensburg); PubMed 33089500 (cited by Institute of Human Genetics, Univ. Regensburg, Univ. Regensburg); PubMed 34148116 (cited by Institute of Human Genetics, Univ. Regensburg, Univ. Regensburg).